The following is an entry in ClinVar:

ClinVar aggregate classification (germline): Pathogenic (1 of 4 stars; one submission).

Allele frequency attached by ClinVar (database versions not stated): TOPMed below 0.00001; gnomAD 0.00001.
gnomAD v4.1: 1 of 1,614,092 alleles (0.000062%); highest among the groups gnomAD compares: Non-Finnish European, 0.000085%; no homozygotes.

Submission:

Labcorp Genetics (formerly Invitae), Labcorp
Classification: Pathogenic. Last evaluated: 2022-07-23. Review status: criteria provided, single submitter. Criteria: Invitae Variant Classification Sherloc (09022015). Collection method: clinical testing. Allele origin: germline.
Comment: This variant is not present in population databases (gnomAD no frequency). For these reasons, this variant has been classified as Pathogenic. Algorithms developed to predict the effect of sequence changes on RNA splicing suggest that this variant may disrupt the consensus splice site. This variant has not been reported in the literature in individuals affected with MTHFD1-related conditions. This sequence change creates a premature translational stop signal (p.Gln411*) in the MTHFD1 gene. It is expected to result in an absent or disrupted protein product. Loss-of-function variants in MTHFD1 are known to be pathogenic (PMID: 21813566, 25633902).

Literature cited by the submitters: PubMed 21813566; PubMed 25633902.

NM_005956.4(MTHFD1):c.1231C>T (p.Gln411Ter)

Gene: MTHFD1 (methylenetetrahydrofolate dehydrogenase, cyclohydrolase and formyltetrahydrofolate synthetase 1; plus strand). Cytogenetic location: 14q23.3.
Variant type: single nucleotide variant.
Coding change: c.1231C>T on transcript NM_005956.4 (MANE Select); coding-DNA position 1231, C replaced by T.
Protein change: p.Gln411Ter; replaces glutamine 411 with a stop codon.
Molecular consequence: nonsense.
Genome position (GRCh38, 1-based): chr14:64,427,440, C>T. VCF-style: chr14-64427440-C-T. GRCh37 (hg19) VCF-style: chr14-64894158-C-T.
Other names: c.1231C>T, p.Gln411Ter (NM_001364837.1); short protein forms Q411*.
Identifiers: ClinVar variation 2000402 (VCV002000402.4), dbSNP rs2078126852, ClinGen allele CA389989370.